The following is an entry in ClinVar:

ClinVar aggregate classification (germline): Pathogenic/Likely pathogenic. Review status: criteria provided, multiple submitters, no conflicts (2 of 4 stars). 2 submissions from 2 submitters: Pathogenic (1); Likely pathogenic (1). Last evaluated 2024-10-24.

Conditions:
Osteogenesis imperfecta type I (OI1). Also called: Lobstein disease; Classic Non-deforming Osteogenesis Imperfecta with Blue Sclerae; OI, TYPE I; OSTEOGENESIS IMPERFECTA TARDA; OSTEOGENESIS IMPERFECTA WITH BLUE SCLERAE; Osteogenesis imperfecta type 1. Identifiers: Orphanet 216796, Orphanet 666, MedGen C0023931, MONDO:0008146, OMIM 166200. Disease mechanism: loss of function.

Submissions (2):

Labcorp Genetics (formerly Invitae), Labcorp
Classification: Pathogenic for Osteogenesis imperfecta type I. Last evaluated: 2024-10-24. Review status: criteria provided, single submitter. Criteria: Invitae Variant Classification Sherloc (09022015). Collection method: clinical testing. Allele origin: germline.
Comment: This sequence change affects a donor splice site in intron 21 of the COL1A1 gene. It is expected to disrupt RNA splicing. Variants that disrupt the donor or acceptor splice site typically lead to a loss of protein function (PMID: 16199547), and loss-of-function variants in COL1A1 are known to be pathogenic (PMID: 7942841, 9295084, 9443882). This variant is not present in population databases (gnomAD no frequency). Disruption of this splice site has been observed in individual(s) with osteogenesis imperfecta (PMID: 30715774). ClinVar contains an entry for this variant (Variation ID: 982880). Algorithms developed to predict the effect of sequence changes on RNA splicing suggest that this variant may disrupt the consensus splice site. For these reasons, this variant has been classified as Pathogenic.

Institute of Human Genetics, University of Leipzig Medical Center
Classification: Likely pathogenic for Osteogenesis imperfecta type I. Last evaluated: 2019-01-01. Review status: criteria provided, single submitter. Criteria: ACMG Guidelines, 2015. Collection method: clinical testing. Allele origin: unknown. Affected: yes.

Literature cited by the submitters: PubMed 16199547 (cited by Labcorp Genetics (formerly Invitae), Labcorp); PubMed 7942841 (cited by Labcorp Genetics (formerly Invitae), Labcorp); PubMed 9295084 (cited by Labcorp Genetics (formerly Invitae), Labcorp); PubMed 9443882 (cited by Labcorp Genetics (formerly Invitae), Labcorp); PubMed 30715774 (cited by Labcorp Genetics (formerly Invitae), Labcorp).

NM_000088.4(COL1A1):c.1461+2T>G

Gene: COL1A1 (collagen type I alpha 1 chain; minus strand). Cytogenetic location: 17q21.33.
Variant type: single nucleotide variant.
Coding change: c.1461+2T>G on transcript NM_000088.4 (MANE Select); the canonical splice donor site of the intron after coding-DNA position 1461, T replaced by G.
Molecular consequence: splice donor variant.
Genome position (GRCh38, 1-based): chr17:50,194,719, A>C on the plus strand (T>G on the coding strand, the complement: COL1A1 is on the minus strand). VCF-style: chr17-50194719-A-C. GRCh37 (hg19) VCF-style: chr17-48272080-A-C.
Identifiers: ClinVar variation 982880 (VCV000982880.4), dbSNP rs1907417140, ClinGen allele CA400217585.
Genomic context (GRCh38, chr17:50,194,719, plus strand): 5'-GACACACAGGCACCAGCCAGGCAATGAGGGTGGAGCGGGAGGGGGCGGGCAGGGACACTT[A>C]CACGCTCGCCAGGGGGTCCGGGCAGGCCAGTGGGTCCGGGTTCACCTCGAGCTCCTCGCT-3'